The following is an entry in ClinVar:

NM_005228.5(EGFR):c.3524A>G (p.Asp1175Gly)

Gene: EGFR (epidermal growth factor receptor; plus strand). Cytogenetic location: 7p11.2.
Variant type: single nucleotide variant.
Coding change: c.3524A>G on transcript NM_005228.5 (MANE Select); coding-DNA position 3524, A replaced by G.
Protein change: p.Asp1175Gly; replaces aspartic acid 1175 with glycine.
Molecular consequence: missense variant.
Genome position (GRCh38, 1-based): chr7:55,205,508, A>G. VCF-style: chr7-55205508-A-G. GRCh37 (hg19) VCF-style: chr7-55273201-A-G.
Other names: c.3524A>G (NM_005228.3); c.3389A>G, p.Asp1130Gly (NM_001346899.2); c.3365A>G, p.Asp1122Gly (NM_001346900.2); c.2723A>G, p.Asp908Gly (NM_001346941.2); short protein forms D1122G, D1130G, D1175G, D908G.
Identifiers: ClinVar variation 1061820 (VCV001061820.10), dbSNP rs2128975521, ClinGen allele CA367584817.

ClinVar aggregate classification (germline): Uncertain significance. Review status: criteria provided, multiple submitters, no conflicts (2 of 4 stars). 2 submissions from 2 submitters: Uncertain significance (2). Last evaluated 2025-12-11.

Conditions:
Hereditary cancer-predisposing syndrome. Also called: Neoplastic Syndromes, Hereditary; Hereditary Cancer Syndrome; Hereditary neoplastic syndrome; Tumor predisposition. Identifiers: Orphanet 140162, MedGen C0027672, MeSH D009386, MONDO:0015356.
EGFR-related lung cancer (EGFR). Identifiers: MedGen CN130014.

Submissions (2):

Ambry Genetics
Classification: Uncertain significance for Hereditary cancer-predisposing syndrome. Last evaluated: 2025-12-11. Review status: criteria provided, single submitter. Criteria: Ambry Variant Classification Scheme 2023. Collection method: clinical testing. Allele origin: germline.
Comment: The p.D1175G variant (also known as c.3524A>G), located in coding exon 28 of the EGFR gene, results from an A to G substitution at nucleotide position 3524. The aspartic acid at codon 1175 is replaced by glycine, an amino acid with similar properties. This amino acid position is conserved. In addition, this alteration is predicted to be tolerated by in silico analysis. Based on the available evidence, the clinical significance of this variant remains unclear.

Labcorp Genetics (formerly Invitae), Labcorp
Classification: Uncertain significance for EGFR-related lung cancer. Last evaluated: 2023-09-01. Review status: criteria provided, single submitter. Criteria: Invitae Variant Classification Sherloc (09022015). Collection method: clinical testing. Allele origin: germline.
Comment: In summary, the available evidence is currently insufficient to determine the role of this variant in disease. Therefore, it has been classified as a Variant of Uncertain Significance. An algorithm developed to predict the effect of missense changes on protein structure and function (PolyPhen-2) suggests that this variant is likely to be tolerated. ClinVar contains an entry for this variant (Variation ID: 1061820). This variant has not been reported in the literature in individuals affected with EGFR-related conditions. This variant is not present in population databases (gnomAD no frequency). This sequence change replaces aspartic acid, which is acidic and polar, with glycine, which is neutral and non-polar, at codon 1175 of the EGFR protein (p.Asp1175Gly).